The following is an entry in ClinVar:

ClinVar aggregate classification (germline): Uncertain significance (1 of 4 stars; one submission).

Submission:

GeneDx
Classification: Uncertain significance. Last evaluated: 2026-03-27. Review status: criteria provided, single submitter. Criteria: GeneDx Variant Classification Process June 2021. Collection method: clinical testing. Allele origin: germline.
Comment: Not observed at significant frequency in large population cohorts (gnomAD); In silico analysis supports that this missense variant has a deleterious effect on protein structure/function; Has not been previously published as pathogenic or benign to our knowledge

NM_003458.4(BSN):c.8113T>C (p.Ser2705Pro)

Gene: BSN (bassoon presynaptic cytomatrix protein; plus strand). Cytogenetic location: 3p21.31.
Variant type: single nucleotide variant.
Coding change: c.8113T>C on transcript NM_003458.4 (MANE Select); coding-DNA position 8113, T replaced by C.
Protein change: p.Ser2705Pro; replaces serine 2705 with proline.
Molecular consequence: missense variant.
Genome position (GRCh38, 1-based): chr3:49,657,669, T>C. VCF-style: chr3-49657669-T-C. GRCh37 (hg19) VCF-style: chr3-49695102-T-C.
Other names: short protein forms S2705P.
Identifiers: ClinVar variation 5017643 (VCV005017643.1).